The following is an entry in ClinVar:

ClinVar aggregate classification (germline): Uncertain significance. Review status: reviewed by expert panel (3 of 4 stars). 12 submissions from 12 submitters: Uncertain significance (1). 11 of the submissions do not count toward it. Last evaluated 2025-12-23.

Conditions:
Autosomal recessive limb-girdle muscular dystrophy type 2C (LGMDR5). Also called: MUSCULAR DYSTROPHY, DUCHENNE-LIKE; MUSCULAR DYSTROPHY, LIMB-GIRDLE, AUTOSOMAL RECESSIVE 5. Identifiers: Orphanet 353, MedGen C0410173, MONDO:0009677, OMIM 253700. Disease mechanism: Affects gamma-sarcoglycan and also disrupts the integrity of the entire sarcoglycan complex..
Autosomal recessive limb-girdle muscular dystrophy. Identifiers: Orphanet 102015, MedGen C2931907, MONDO:0015152.
Sarcoglycanopathy. Identifiers: Orphanet 207052, MedGen C2936331, MONDO:0016140.

Allele frequency attached by ClinVar (database versions not stated): gnomAD exomes 0.00014; gnomAD 0.00015 and 0.00016; TOPMed 0.00017; ESP Exome Variant Server 0.00023; ExAC 0.00031.
gnomAD v4.1: 350 of 1,581,020 alleles (0.022%); highest among the groups gnomAD compares: Non-Finnish European, 0.028%; 1 homozygote.

Submissions (12):

ClinGen Limb Girdle Muscular Dystrophy Variant Curation Expert Panel, ClinGen
Classification: Uncertain significance for Autosomal recessive limb-girdle muscular dystrophy. Last evaluated: 2025-12-23. Review status: reviewed by expert panel. Criteria: ClinGen LGMD VCEP ACMG Specifications SGCG V2.0.0. Collection method: curation. Allele origin: germline. Inheritance: Autosomal recessive inheritance.
Comment: The NM_000231.3: c.596G>A variant in SGCG is a missense variant expected to result in the substitution of arginine for glutamine at position 199, p.(Arg199Gln). This variant has been reported as a single hit in multiple individuals with features of LGMD (PMID: 30564623, 39678382; ClinVar SCV000338017.5; LOVD SGCG_000165). It has also been identified in unknown phase with two other SGCG variants, c.195+4_195+7del and c.101G>A p.(Arg34His), in one patient (GRASP-LGMD Consortium internal data communication). The highest population frequency for this variant is 0.0002753 in gnomAD v4.1.0 (320/1162216 European (non-Finnish) alleles), which is higher than the LGMD VCEP threshold (<0.00009) for PM2_Supporting (criterion not met). There is also one homozygous individual present in gnomAD v4.1.0, but the filtering allele frequency is lower than the VCEP threshold for BS1. The computational predictor REVEL gives a score of 0.852, which is above the threshold of 0.7, evidence that correlates with impact to SGCG function (PP3). SpliceAI also gives a delta score of 0.24 for acceptor loss. In summary, there is currently insufficient evidence to determine the clinical significance of this variant and it is classified as a variant of uncertain significance for autosomal recessive limb girdle muscular dystrophy based on the ACMG/AMP criteria applied, as specified by the ClinGen LGMD VCEP (specifications version 2.0.0, 12/23/2025): PP3.

Athena Diagnostics
Classification: Uncertain significance. Last evaluated: 2025-08-22. Review status: criteria provided, single submitter. Criteria: Athena Diagnostics Criteria. Collection method: clinical testing. Allele origin: unknown. Not counted in ClinVar's aggregate classification.
Comment: Available data are insufficient to determine the clinical significance of the variant at this time. The frequency of this variant in the general population is higher than would generally be expected for pathogenic variants in this gene. Polyphen and MutationTaster predict this amino acid change may be damaging to the protein.

Myriad Genetics, Inc.
Classification: Uncertain significance for Autosomal recessive limb-girdle muscular dystrophy type 2C. Last evaluated: 2025-07-24. Review status: criteria provided, single submitter. Criteria: Myriad Autosomal Dominant, Autosomal Recessive and X-Linked Classification Criteria (2023). Collection method: clinical testing. Allele origin: unknown. Not counted in ClinVar's aggregate classification.
Comment: NM_000231.2(SGCG):c.596G>A(R199Q) is a missense variant classified as a variant of uncertain significance in the context of gamma-sarcoglycanopathy. R199Q has been observed in a case with relevant disease (PMID: 39678382). Relevant functional assessments of this variant are not available in the literature. R199Q has been observed in referenced population frequency databases. In summary, there is insufficient evidence to classify NM_000231.2(SGCG):c.596G>A(R199Q) as pathogenic or benign. Please note: this variant was assessed in the context of healthy population screening.

Mayo Clinic Laboratories, Mayo Clinic
Classification: Uncertain significance. Last evaluated: 2025-02-27. Review status: criteria provided, single submitter. Criteria: ACMG Guidelines, 2015. Collection method: clinical testing. Allele origin: germline. Observed: 1 variant allele. Not counted in ClinVar's aggregate classification.
Comment: PP3

Revvity Omics, Revvity
Classification: Uncertain significance for Autosomal recessive limb-girdle muscular dystrophy type 2C. Last evaluated: 2023-01-03. Review status: criteria provided, single submitter. Criteria: ACMG Guidelines, 2015. Collection method: clinical testing. Allele origin: germline. Not counted in ClinVar's aggregate classification.

Labcorp Genetics (formerly Invitae), Labcorp
Classification: Uncertain significance for Autosomal recessive limb-girdle muscular dystrophy type 2C. Last evaluated: 2022-08-23. Review status: criteria provided, single submitter. Criteria: Invitae Variant Classification Sherloc (09022015). Collection method: clinical testing. Allele origin: germline. Not counted in ClinVar's aggregate classification.
Comment: This sequence change replaces arginine, which is basic and polar, with glutamine, which is neutral and polar, at codon 199 of the SGCG protein (p.Arg199Gln). This variant is present in population databases (rs200191311, gnomAD 0.03%). This variant has not been reported in the literature in individuals affected with SGCG-related conditions. ClinVar contains an entry for this variant (Variation ID: 285130). Algorithms developed to predict the effect of missense changes on protein structure and function (SIFT, PolyPhen-2, Align-GVGD) all suggest that this variant is likely to be disruptive. Algorithms developed to predict the effect of sequence changes on RNA splicing suggest that this variant may disrupt the consensus splice site. In summary, the available evidence is currently insufficient to determine the role of this variant in disease. Therefore, it has been classified as a Variant of Uncertain Significance.

Fulgent Genetics
Classification: Uncertain significance for Autosomal recessive limb-girdle muscular dystrophy type 2C. Last evaluated: 2021-07-06. Review status: criteria provided, single submitter. Criteria: ACMG Guidelines, 2015. Collection method: clinical testing. Allele origin: unknown. Not counted in ClinVar's aggregate classification.

GeneDx
Classification: Uncertain significance. Last evaluated: 2020-10-15. Review status: criteria provided, single submitter. Criteria: GeneDx Variant Classification Process June 2021. Collection method: clinical testing. Allele origin: germline. Affected: yes. Not counted in ClinVar's aggregate classification.
Comment: Missense variants in this gene are often considered pathogenic (Stenson et al., 2014); In silico analysis supports that this missense variant has a deleterious effect on protein structure/function; Has not been previously published as pathogenic or benign to our knowledge

Baylor Genetics
Classification: Uncertain significance for Autosomal recessive limb-girdle muscular dystrophy type 2C. Last evaluated: 2019-08-23. Review status: criteria provided, single submitter. Criteria: ACMG Guidelines, 2015. Collection method: clinical testing. Allele origin: unknown. Affected: yes. Not counted in ClinVar's aggregate classification.
Comment: This variant was determined to be of uncertain significance according to ACMG Guidelines, 2015 [PMID:25741868].

Illumina Laboratory Services, Illumina
Classification: Uncertain significance for Sarcoglycanopathy. Last evaluated: 2018-01-13. Review status: criteria provided, single submitter. Criteria: ICSL Variant Classification Criteria 13 December 2019. Collection method: clinical testing. Allele origin: germline. Not counted in ClinVar's aggregate classification.

Eurofins Ntd Llc (ga)
Classification: Uncertain significance. Last evaluated: 2015-12-04. Review status: criteria provided, single submitter. Criteria: EGL Classification Definitions 2015. Collection method: clinical testing. Allele origin: germline. Observed: 3 variant alleles, 3 heterozygotes. Not counted in ClinVar's aggregate classification.

Natera, Inc.
Classification: Uncertain significance for Limb-girdle muscular dystrophy type 2C. Last evaluated: 2020-04-19. Review status: no assertion criteria provided. Collection method: clinical testing. Allele origin: germline. Not counted in ClinVar's aggregate classification.

Literature cited by the submitters: PubMed 39678382 (cited by Myriad Genetics, Inc.).

NM_000231.3(SGCG):c.596G>A (p.Arg199Gln)

Gene: SGCG (sarcoglycan gamma; plus strand). Cytogenetic location: 13q12.12.
Variant type: single nucleotide variant.
Coding change: c.596G>A on transcript NM_000231.3 (MANE Select); coding-DNA position 596, G replaced by A.
Protein change: p.Arg199Gln; replaces arginine 199 with glutamine.
Molecular consequence: missense variant.
Genome position (GRCh38, 1-based): chr13:23,320,654, G>A. VCF-style: chr13-23320654-G-A. GRCh37 (hg19) VCF-style: chr13-23894793-G-A.
Other names: p.Arg199Gln; NM_000231.3(SGCG):c.596G>A; c.650G>A, p.Arg217Gln (NM_001378244.1); c.596G>A, p.Arg199Gln (NM_001378245.1, NM_001378246.1); short protein forms R199Q, R217Q.
Identifiers: ClinVar variation 285130 (VCV000285130.23), dbSNP rs200191311, ClinGen allele CA6909796.
Genomic context (GRCh38, chr13:23,320,654, plus strand): 5'-ATACTTTTTTTTTTTTTTTTTGTGCTTCTTTTCCTCATCTCAGATTAGAATCCCCCACTC[G>A]GAGTCTAAGCATGGATGCCCCAAGGGGTGTGCATATTCAAGCTCACGCTGGGAAAATTGA-3'
Protein context (NP_000222.2, residues 189-209): FQDLRLESPT[Arg199Gln]SLSMDAPRGV